The following is an entry in ClinVar:

NC_000011.9:g.(?_644550)_(795006_?)dup

Genes: CEND1 (cell cycle exit and neuronal differentiation 1; minus strand), DEAF1 (DEAF1 transcription factor; minus strand), EPS8L2 (EPS8 signaling adaptor L2; plus strand), GATD1 (glutamine amidotransferase class 1 domain containing 1; minus strand), SLC25A22 (solute carrier family 25 member 22; minus strand) and 2 more. Cytogenetic location: 11p15.5.
Variant type: Duplication.
Identifiers: ClinVar variation 2426870 (VCV002426870.3).

ClinVar aggregate classification (germline): Uncertain significance (1 of 4 stars; one submission).

Conditions:
Developmental and epileptic encephalopathy. Identifiers: MedGen C5779964, MONDO:0100620.

Submission:

Labcorp Genetics (formerly Invitae), Labcorp
Classification: Uncertain significance for Early-infantile DEE. Last evaluated: 2022-07-15. Review status: criteria provided, single submitter. Criteria: Invitae Variant Classification Sherloc (09022015). Collection method: clinical testing. Allele origin: germline.
Comment: A copy number gain of the genomic region encompassing the full coding sequence of the SLC25A22 gene has been identified. The boundaries of this event are unknown as they extend beyond the assayed region for this gene and therefore may encompass additional genes. As the precise location of this event is unknown, it may be in tandem or it may be located elsewhere in the genome. This variant has not been reported in the literature in individuals affected with SLC25A22-related conditions. In summary, the available evidence is currently insufficient to determine the role of this variant in disease. Therefore, it has been classified as a Variant of Uncertain Significance.